The following is an entry in ClinVar:

ClinVar aggregate classification (germline): Benign/Likely benign. Review status: criteria provided, multiple submitters, no conflicts (2 of 4 stars). 8 submissions from 8 submitters: Benign (5); Likely benign (2). 1 of the submissions does not count toward it. Last evaluated 2026-07-01.

Conditions:
SQSTM1-related disorder. Also called: SQSTM1-Related Disorders.
Frontotemporal dementia and/or amyotrophic lateral sclerosis 1 (FTDALS1). Also called: C9orf72 Frontotemporal Dementia and/or Amyotrophic Lateral Sclerosis; Frontotemporal dementia with motor neuron disease 1. Identifiers: Orphanet 275872, MedGen C5779877, MONDO:0007105, OMIM 105550.
Paget disease of bone 2, early-onset (PDB2). Also called: Paget disease of bone 2. Identifiers: MedGen C4085251, MONDO:0011183, OMIM 602080.
Paget disease of bone 3. Identifiers: MedGen C4085252, MONDO:0008176, OMIM 167250.

Allele frequency attached by ClinVar (database versions not stated): gnomAD exomes 0.00106 and 0.00279; ExAC 0.00513; gnomAD 0.00865 and 0.00943; 1000 Genomes Project 0.00899; TOPMed 0.00937; 1000 Genomes Project 30x 0.00984; ESP Exome Variant Server 0.01096.
gnomAD v4.1: 2,901 of 1,580,682 alleles (0.18%); highest among the groups gnomAD compares: African/African-American, 2.7%; 29 homozygotes.

Submissions (8):

CeGaT Center for Human Genetics Tuebingen
Classification: Benign. Last evaluated: 2026-07-01. Review status: criteria provided, single submitter. Criteria: CeGaT Center For Human Genetics Tuebingen Variant Classification Criteria Version 2. Collection method: clinical testing. Allele origin: germline. Affected: yes. Observed: 2 variant alleles.
Comment: SQSTM1: PM5, BP4, BS1, BS2

Labcorp Genetics (formerly Invitae), Labcorp
Classification: Benign for Paget disease of bone 2, early-onset; Frontotemporal dementia and/or amyotrophic lateral sclerosis 1. Last evaluated: 2026-02-03. Review status: criteria provided, single submitter. Criteria: Invitae Variant Classification Sherloc (09022015). Collection method: clinical testing. Allele origin: germline.

Athena Diagnostics
Classification: Benign. Last evaluated: 2024-03-24. Review status: criteria provided, single submitter. Criteria: Athena Diagnostics Criteria. Collection method: clinical testing. Allele origin: unknown.

GeneDx
Classification: Benign. Last evaluated: 2020-08-24. Review status: criteria provided, single submitter. Criteria: GeneDx Variant Classification Process June 2021. Collection method: clinical testing. Allele origin: germline. Affected: yes.
Comment: This variant is associated with the following publications: (PMID: 32036052, 31859009, 31434890, 24899140, 22084127)

Mayo Clinic Laboratories, Mayo Clinic
Classification: Benign. Last evaluated: 2019-03-08. Review status: criteria provided, single submitter. Criteria: ACMG Guidelines, 2015. Collection method: clinical testing. Allele origin: germline. Observed: 12 variant alleles.

Illumina Laboratory Services, Illumina
Classification: Likely benign for Paget disease of bone 3. Last evaluated: 2017-04-27. Review status: criteria provided, single submitter. Criteria: ICSL Variant Classification Criteria 13 December 2019. Collection method: clinical testing. Allele origin: germline.
Comment: This variant was observed as part of a predisposition screen in an ostensibly healthy population. A literature search was performed for the gene, cDNA change, and amino acid change (where applicable). Publications were found based on this search. The evidence from the literature, in combination with allele frequency data from public databases where available, was sufficient to determine this variant is unlikely to cause disease. Therefore, this variant is classified as likely benign.

Breakthrough Genomics
Classification: Likely benign. Review status: criteria provided, single submitter. Criteria: ACMG Guidelines, 2015. Collection method: not provided. Allele origin: germline. Inheritance: Autosomal recessive inheritance. Affected: yes.

PreventionGenetics, part of Exact Sciences
Classification: Benign for SQSTM1-related condition. Last evaluated: 2019-10-16. Review status: no assertion criteria provided. Collection method: clinical testing. Allele origin: germline. Not counted in ClinVar's aggregate classification.
Comment: This variant is classified as benign based on ACMG/AMP sequence variant interpretation guidelines (Richards et al. 2015 PMID: 25741868, with internal and published modifications).

Literature cited by the submitters: PubMed 24486447 (cited by Athena Diagnostics and Illumina Laboratory Services, Illumina); PubMed 22084127 (cited by Athena Diagnostics and Illumina Laboratory Services, Illumina); PubMed 24899140 (cited by Athena Diagnostics and Illumina Laboratory Services, Illumina); PubMed 23447461 (cited by Athena Diagnostics).

NM_003900.5(SQSTM1):c.961C>T (p.Arg321Cys)

Gene: SQSTM1 (sequestosome 1; plus strand). Cytogenetic location: 5q35.3.
Variant type: single nucleotide variant.
Coding change: c.961C>T on transcript NM_003900.5 (MANE Select); coding-DNA position 961, C replaced by T.
Protein change: p.Arg321Cys; replaces arginine 321 with cysteine.
Molecular consequence: missense variant.
Genome position (GRCh38, 1-based): chr5:179,833,238, C>T. VCF-style: chr5-179833238-C-T. GRCh37 (hg19) VCF-style: chr5-179260238-C-T.
Other names: c.709C>T, p.Arg237Cys (NM_001142298.2, NM_001142299.2); short protein forms R237C, R321C.
Identifiers: ClinVar variation 259193 (VCV000259193.30), dbSNP rs140226523, ClinGen allele CA3600742.
Genomic context (GRCh38, chr5:179,833,238, plus strand): 5'-GAGGGCGCCACGCAGTCTCTGGCGGAGCAGATGAGGAAGATCGCCTTGGAGTCCGAGGGG[C>T]GCCCTGAGGCAAGCCTGTGCCCCTCCCGCCACCTGGGACCACGGCCAGCCTAGTGATCTG-3'
Protein context (NP_003891.1, residues 311-331): MRKIALESEG[Arg321Cys]PEEQMESDNC